The following is an entry in ClinVar:

NM_016239.4(MYO15A):c.2358_2374del (p.Tyr788fs)

Gene: MYO15A (myosin XVA; plus strand). Cytogenetic location: 17p11.2.
Variant type: Deletion.
Coding change: c.2358_2374del on transcript NM_016239.4 (MANE Select); coding-DNA positions 2358 to 2374, 17 bases deleted (CGGCTACTGCTCACCCT).
Protein change: p.Tyr788fs; shifts the reading frame from tyrosine 788.
Molecular consequence: frameshift variant.
Genome position (GRCh38, 1-based): chr17:18,121,158-18,121,174, CGGCTACTGCTCACCCT deleted; deleting any 17 consecutive bases within chr17:18,121,155-18,121,174 gives the same sequence; the c. name uses the placement nearest the transcript's 3' end. VCF-style (leftmost placement, unchanged base first): chr17-18121154-GCCTCGGCTACTGCTCAC-G. GRCh37 (hg19) VCF-style: chr17-18024468-GCCTCGGCTACTGCTCAC-G.
Other names: short protein forms Y788fs.
Identifiers: ClinVar variation 4085556 (VCV004085556.8).

ClinVar aggregate classification (germline): Pathogenic (1 of 4 stars; one submission).

Submission:

CeGaT Center for Human Genetics Tuebingen
Classification: Pathogenic. Last evaluated: 2025-07-01. Review status: criteria provided, single submitter. Criteria: CeGaT Center For Human Genetics Tuebingen Variant Classification Criteria Version 2. Collection method: clinical testing. Allele origin: germline. Affected: yes. Observed: 1 variant allele.
Comment: MYO15A: PVS1, PM2